The following is an entry in ClinVar:

ClinVar aggregate classification (germline): Uncertain significance (1 of 4 stars; one submission).

gnomAD v4.1: 1 of 1,614,174 alleles (0.000062%); highest among the groups gnomAD compares: Non-Finnish European, 0.000085%; no homozygotes.

Submission:

GeneDx
Classification: Uncertain significance. Last evaluated: 2023-05-11. Review status: criteria provided, single submitter. Criteria: GeneDx Variant Classification Process June 2021. Collection method: clinical testing. Allele origin: germline. Affected: yes.
Comment: Not observed at significant frequency in large population cohorts (gnomAD); In silico analysis supports that this missense variant does not alter protein structure/function; Has not been previously published as pathogenic or benign to our knowledge

NM_025144.4(ALPK1):c.382C>G (p.Leu128Val)

Gene: ALPK1 (alpha kinase 1; plus strand). Cytogenetic location: 4q25.
Variant type: single nucleotide variant.
Coding change: c.382C>G on transcript NM_025144.4 (MANE Select); coding-DNA position 382, C replaced by G.
Protein change: p.Leu128Val; replaces leucine 128 with valine.
Molecular consequence: missense variant.
Genome position (GRCh38, 1-based): chr4:112,411,932, C>G. VCF-style: chr4-112411932-C-G. GRCh37 (hg19) VCF-style: chr4-113333088-C-G.
Other names: c.382C>G, p.Leu128Val (NM_001102406.2); c.148C>G, p.Leu50Val (NM_001253884.2); short protein forms L128V, L50V.
Identifiers: ClinVar variation 2663230 (VCV002663230.1), dbSNP rs924445505, ClinGen allele CA357990649.